The following is an entry in ClinVar:

NM_000089.4(COL1A2):c.1423G>A (p.Gly475Ser)

Gene: COL1A2 (collagen type I alpha 2 chain; plus strand). Cytogenetic location: 7q21.3.
Variant type: single nucleotide variant.
Coding change: c.1423G>A on transcript NM_000089.4 (MANE Select); coding-DNA position 1423, G replaced by A.
Protein change: p.Gly475Ser; replaces glycine 475 with serine.
Molecular consequence: missense variant.
Genome position (GRCh38, 1-based): chr7:94,412,602, G>A. VCF-style: chr7-94412602-G-A. GRCh37 (hg19) VCF-style: chr7-94041914-G-A.
Other names: c.1423G>A (NM_000089.3); short protein forms G475S.
Identifiers: ClinVar variation 1398959 (VCV001398959.12), dbSNP rs755058199, ClinGen allele CA4347057.

ClinVar aggregate classification (germline): Conflicting classifications of pathogenicity. Review status: criteria provided, conflicting classifications (1 of 4 stars). 6 submissions from 6 submitters: Pathogenic (1); Likely pathogenic (4); Uncertain significance (1). Last evaluated 2026-06-05.

Conditions:
Autosomal dominant COL1A2-related disorders.
Osteogenesis imperfecta type III (OI3). Also called: Osteogenesis imperfecta type 3; OI type 3; Osteogenesis imperfecta, progressively deforming with normal sclerae; OI type III; Progressively Deforming Osteogenesis Imperfecta. Identifiers: Orphanet 216812, Orphanet 666, MedGen C0268362, MONDO:0009804, OMIM 259420.
Ehlers-Danlos syndrome, classic type, 1 (EDSCL1). Also called: EDS I; EHLERS-DANLOS SYNDROME, GRAVIS TYPE; EHLERS-DANLOS SYNDROME, SEVERE CLASSIC TYPE; Ehlers-Danlos syndrome, type 1; Ehlers-Danlos Syndrome, Classic Type, COL5A1-Related. Identifiers: MedGen C0268335, MONDO:0019567, OMIM 130000.
Osteogenesis imperfecta type I (OI1). Also called: Classic Non-deforming Osteogenesis Imperfecta with Blue Sclerae; OI, TYPE I; OSTEOGENESIS IMPERFECTA TARDA; OSTEOGENESIS IMPERFECTA WITH BLUE SCLERAE; Osteogenesis imperfecta type 1; Lobstein's Disease. Identifiers: Orphanet 216796, Orphanet 666, MedGen C0023931, MONDO:0008146, OMIM 166200. Disease mechanism: loss of function.
Cardiovascular phenotype. Identifiers: MedGen CN230736.
Ehlers-Danlos syndrome (EDS). Identifiers: Orphanet 98249, MedGen C0013720, MONDO:0020066.

Allele frequency attached by ClinVar (database versions not stated): gnomAD exomes below 0.00001; ExAC 0.00001; TOPMed 0.00001.
gnomAD v4.1: 7 of 1,613,988 alleles (0.00043%); highest among the groups gnomAD compares: Non-Finnish European, 0.00051%; no homozygotes.

Submissions (6):

GeneDx
Classification: Pathogenic. Last evaluated: 2026-06-05. Review status: criteria provided, single submitter. Criteria: GeneDx Variant Classification Process June 2021. Collection method: clinical testing. Allele origin: germline.
Comment: In silico analysis supports that this missense variant has a deleterious effect on protein structure/function; Not observed at significant frequency in large population cohorts (gnomAD); Has not been previously published as pathogenic or benign to our knowledge; Occurs in the triple helical domain and replaces a glycine in a canonical Gly-X-Y repeat; missense substitution of a canonical glycine residue is expected to disrupt normal protein folding and function, and this is an established mechanism of disease (PMID: 34007986); This variant is associated with the following publications: (PMID: 31039433, 34007986)

Variantyx, Inc.
Classification: Likely pathogenic for Autosomal dominant COL1A2-related disorders. Last evaluated: 2025-03-27. Review status: criteria provided, single submitter. Criteria: Variantyx Assertion Criteria 2022. Collection method: clinical testing. Allele origin: maternal.
Comment: This is a nonsynonymous variant in the COL1A2 gene (OMIM: 120160). Pathogenic variants in this gene have been associated with autosomal dominant COL1A2-related disorders. This variant disrupts the triple helix domain of COL1A2 by replacing the glycine residue in the repetitive Gly-X-Y sequence (PMID: 28098982) (PM1_Strong). Multiple computational algorithms predict a deleterious effect for this variant (REVEL score: 0.975) (PP3_Moderate). This variant has a 0.0005% maximum allele frequency in non-founder control populations (PM2_Supporting). Based on the current evidence, this variant is classified as likely pathogenic for autosomal dominant COL1A2-related disorders.Inter- and intrafamilial clinical variability has been described (PMID: 20301472).

Ambry Genetics
Classification: Uncertain significance for Cardiovascular phenotype. Last evaluated: 2024-07-09. Review status: criteria provided, single submitter. Criteria: Ambry Variant Classification Scheme 2023. Collection method: clinical testing. Allele origin: germline.
Comment: The p.G475S variant (also known as c.1423G>A), located in coding exon 25 of the COL1A2 gene, results from a G to A substitution at nucleotide position 1423. The glycine at codon 475 is replaced by serine, an amino acid with similar properties. This amino acid position is highly conserved in available vertebrate species. In addition, this alteration is predicted to be deleterious by in silico analysis. Based on the available evidence, the clinical significance of this variant remains unclear.

Labcorp Genetics (formerly Invitae), Labcorp
Classification: Likely pathogenic for Osteogenesis imperfecta type I; Ehlers-Danlos syndrome, classic type, 1. Last evaluated: 2024-04-12. Review status: criteria provided, single submitter. Criteria: Invitae Variant Classification Sherloc (09022015). Collection method: clinical testing. Allele origin: germline.
Comment: This sequence change replaces glycine, which is neutral and non-polar, with serine, which is neutral and polar, at codon 475 of the COL1A2 protein (p.Gly475Ser). The frequency data for this variant in the population databases is considered unreliable, as metrics indicate poor data quality at this position in the gnomAD database. This variant has not been reported in the literature in individuals affected with COL1A2-related conditions. ClinVar contains an entry for this variant (Variation ID: 1398959). Advanced modeling of protein sequence and biophysical properties (such as structural, functional, and spatial information, amino acid conservation, physicochemical variation, residue mobility, and thermodynamic stability) performed at Invitae indicates that this missense variant is expected to disrupt COL1A2 protein function with a positive predictive value of 95%. This variant disrupts the triple helix domain of COL1A2. Glycine residues within the Gly-Xaa-Yaa repeats of the triple helix domain are required for the structure and stability of fibrillar collagens (PMID: 7695699, 8218237, 19344236). In COL1A2, variants affecting these glycine residues are significantly enriched in individuals with disease (PMID: 9016532, 17078022) compared to the general population (ExAC). In summary, the currently available evidence indicates that the variant is pathogenic, but additional data are needed to prove that conclusively. Therefore, this variant has been classified as Likely Pathogenic.

Women's Health and Genetics/Laboratory Corporation of America, LabCorp
Classification: Likely pathogenic for Ehlers-Danlos syndrome. Last evaluated: 2023-04-12. Review status: criteria provided, single submitter. Criteria: LabCorp Variant Classification Summary - May 2015. Collection method: clinical testing. Allele origin: germline.
Comment: Variant summary: COL1A2 c.1423G>A (p.Gly475Ser) results in a non-conservative amino acid change located in the Collagen triple helix repeat region (IPR008160) of the encoded protein sequence and is predicted to disrupt the Gly-X-Y repeats. Five of five in-silico tools predict a damaging effect of the variant on protein function. The variant allele was found at a frequency of 4e-06 in 250482 control chromosomes (gnomAD). To our knowledge, no occurrence of c.1423G>A in individuals affected with Ehlers-Danlos Syndrome and no experimental evidence demonstrating its impact on protein function have been reported. Other variants affecting Glycine residue in this region have been classified as pathogenic in ClinVar (examples: G475V, G472C, G472R). One clinical diagnostic laboratory has submitted clinical-significance assessments for this variant to ClinVar after 2014 and classified the variant as uncertain significance. Based on the evidence outlined above, the variant was classified as likely pathogenic.

Clinical Genetics Service, Universitary Hospital 12 de Octubre
Classification: Likely pathogenic for Osteogenesis imperfecta type III. Review status: criteria provided, single submitter. Criteria: ACMG Guidelines, 2015. Collection method: clinical testing. Allele origin: de novo. Affected: yes.

Literature cited by the submitters: PubMed 7695699 (cited by Labcorp Genetics (formerly Invitae), Labcorp); PubMed 8218237 (cited by Labcorp Genetics (formerly Invitae), Labcorp); PubMed 19344236 (cited by Labcorp Genetics (formerly Invitae), Labcorp); PubMed 9016532 (cited by Labcorp Genetics (formerly Invitae), Labcorp); PubMed 17078022 (cited by Labcorp Genetics (formerly Invitae), Labcorp).